The following is an entry in ClinVar:

NM_001182.5(ALDH7A1):c.651-18T>A

Gene: ALDH7A1 (aldehyde dehydrogenase 7 family member A1; minus strand). Cytogenetic location: 5q23.2.
Variant type: single nucleotide variant.
Coding change: c.651-18T>A on transcript NM_001182.5 (MANE Select); 18 bases into the intron before coding-DNA position 651, T replaced by A.
Molecular consequence: intron variant.
Genome position (GRCh38, 1-based): chr5:126,575,482, A>T on the plus strand (T>A on the coding strand, the complement: ALDH7A1 is on the minus strand). VCF-style: chr5-126575482-A-T. GRCh37 (hg19) VCF-style: chr5-125911174-A-T.
Other names: c.651-18T>A (NM_001202404.2); c.567-18T>A (NM_001201377.2).
Identifiers: ClinVar variation 1524953 (VCV001524953.6), dbSNP rs2112792324, ClinGen allele CA2573138865.
Genomic context (GRCh38, chr5:126,575,482, plus strand): 5'-TGTGACAGCCACACTAATGAGGGAAGTGGTTGGAGCTCCTTTCCTTAAGAAGGTTAAAAC[A>T]AAAAAAGAAAAAGAAAAACTTATTTGACGGAAACCATAAATACCTTTTATTATCAAACAG-3'

ClinVar aggregate classification (germline): Conflicting classifications of pathogenicity. Review status: criteria provided, conflicting classifications (1 of 4 stars). 2 submissions from 2 submitters: Pathogenic (1); Uncertain significance (1). Last evaluated 2025-07-31.

Conditions:
Pyridoxine-dependent epilepsy (EPEO4). Also called: Pyridoxine-Dependent Seizures; Pyridoxine-Dependent Epilepsy - ALDH7A1; PYRIDOXINE DEPENDENCY WITH SEIZURES; EPILEPSY, EARLY-ONSET, 4, VITAMIN B6-DEPENDENT. Identifiers: Orphanet 3006, MedGen C1849508, MONDO:0009945, OMIM 266100. Disease mechanism: loss of function.

Allele frequency attached by ClinVar (database versions not stated): gnomAD exomes below 0.00001.
gnomAD v4.1: 2 of 1,602,838 alleles (0.00012%); highest among the groups gnomAD compares: Non-Finnish European, 0.00017%; no homozygotes.

Submissions (2):

Tartaglia Lab, Genetics and Rare Diseases Research Division, Bambino Gesu' Children's Hospital
Classification: Pathogenic for Pyridoxine-dependent epilepsy. Last evaluated: 2025-07-31. Review status: criteria provided, single submitter. Criteria: ACMG Guidelines, 2015. Collection method: research. Allele origin: paternal. Affected: yes.

Labcorp Genetics (formerly Invitae), Labcorp
Classification: Uncertain significance for Pyridoxine-dependent epilepsy. Last evaluated: 2022-02-05. Review status: criteria provided, single submitter. Criteria: Invitae Variant Classification Sherloc (09022015). Collection method: clinical testing. Allele origin: germline.
Comment: This sequence change falls in intron 6 of the ALDH7A1 gene. It does not directly change the encoded amino acid sequence of the ALDH7A1 protein. This variant is not present in population databases (gnomAD no frequency). This variant has not been reported in the literature in individuals affected with ALDH7A1-related conditions. Algorithms developed to predict the effect of sequence changes on RNA splicing suggest that this variant may create or strengthen a splice site. In summary, the available evidence is currently insufficient to determine the role of this variant in disease. Therefore, it has been classified as a Variant of Uncertain Significance.